The following is an entry in ClinVar:

ClinVar aggregate classification (germline): Uncertain significance (1 of 4 stars; one submission).

Allele frequency attached by ClinVar (database versions not stated): ExAC 0.00001; gnomAD exomes 0.00001.
gnomAD v4.1: 3 of 1,613,254 alleles (0.00019%); highest among the groups gnomAD compares: Non-Finnish European, 0.00025%; no homozygotes.

Submission:

Labcorp Genetics (formerly Invitae), Labcorp
Classification: Uncertain significance. Last evaluated: 2022-03-12. Review status: criteria provided, single submitter. Criteria: Invitae Variant Classification Sherloc (09022015). Collection method: clinical testing. Allele origin: germline.
Comment: In summary, the available evidence is currently insufficient to determine the role of this variant in disease. Therefore, it has been classified as a Variant of Uncertain Significance. Algorithms developed to predict the effect of missense changes on protein structure and function output the following: SIFT: "Deleterious"; PolyPhen-2: "Benign"; Align-GVGD: "Class C0". The phenylalanine amino acid residue is found in multiple mammalian species, which suggests that this missense change does not adversely affect protein function. This variant has not been reported in the literature in individuals affected with ATR-related conditions. This variant is present in population databases (rs773312993, gnomAD 0.0009%). This sequence change replaces leucine, which is neutral and non-polar, with phenylalanine, which is neutral and non-polar, at codon 159 of the ATR protein (p.Leu159Phe).

NM_001184.4(ATR):c.475C>T (p.Leu159Phe)

Gene: ATR (ATR checkpoint kinase; minus strand). Cytogenetic location: 3q23.
Variant type: single nucleotide variant.
Coding change: c.475C>T on transcript NM_001184.4 (MANE Select); coding-DNA position 475, C replaced by T.
Protein change: p.Leu159Phe; replaces leucine 159 with phenylalanine.
Molecular consequence: missense variant.
Genome position (GRCh38, 1-based): chr3:142,562,927, G>A on the plus strand (C>T on the coding strand, the complement: ATR is on the minus strand). VCF-style: chr3-142562927-G-A. GRCh37 (hg19) VCF-style: chr3-142281769-G-A.
Other names: c.475C>T, p.Leu159Phe (NM_001354579.2); short protein forms L159F.
Identifiers: ClinVar variation 2052993 (VCV002052993.4), dbSNP rs773312993, ClinGen allele CA2650759.